The following is an entry in ClinVar:

ClinVar aggregate classification (germline): Uncertain significance (1 of 4 stars; one submission).

Allele frequency attached by ClinVar (database versions not stated): ExAC 0.00001; gnomAD 0.00001; gnomAD exomes 0.00001.
gnomAD v4.1: 7 of 1,613,994 alleles (0.00043%); highest among the groups gnomAD compares: Admixed American, 0.012%; no homozygotes.

Submission:

Labcorp Genetics (formerly Invitae), Labcorp
Classification: Uncertain significance. Last evaluated: 2025-08-28. Review status: criteria provided, single submitter. Criteria: Invitae Variant Classification Sherloc (09022015). Collection method: clinical testing. Allele origin: germline.
Comment: This sequence change replaces lysine, which is basic and polar, with threonine, which is neutral and polar, at codon 1083 of the CACNA1D protein (p.Lys1083Thr). This variant is present in population databases (rs768907021, gnomAD 0.02%). This variant has not been reported in the literature in individuals affected with CACNA1D-related conditions. ClinVar contains an entry for this variant (Variation ID: 1898629). Invitae Evidence Modeling of protein sequence and biophysical properties (such as structural, functional, and spatial information, amino acid conservation, physicochemical variation, residue mobility, and thermodynamic stability) indicates that this missense variant is not expected to disrupt CACNA1D protein function with a negative predictive value of 80%. In summary, the available evidence is currently insufficient to determine the role of this variant in disease. Therefore, it has been classified as a Variant of Uncertain Significance.

NM_001128840.3(CACNA1D):c.3188A>C (p.Lys1063Thr)

Gene: CACNA1D (calcium voltage-gated channel subunit alpha1 D; plus strand). Cytogenetic location: 3p21.1.
Variant type: single nucleotide variant.
Coding change: c.3188A>C on transcript NM_001128840.3 (MANE Select); coding-DNA position 3188, A replaced by C.
Protein change: p.Lys1063Thr; replaces lysine 1063 with threonine.
Molecular consequence: missense variant.
Genome position (GRCh38, 1-based): chr3:53,747,322, A>C. VCF-style: chr3-53747322-A-C. GRCh37 (hg19) VCF-style: chr3-53781349-A-C.
Other names: c.3248A>C, p.Lys1083Thr (NM_000720.4); c.3188A>C, p.Lys1063Thr (NM_001128839.3); short protein forms K1063T, K1083T.
Identifiers: ClinVar variation 1898629 (VCV001898629.5), dbSNP rs768907021, ClinGen allele CA2454490.